The following is an entry in ClinVar:

NM_004453.4(ETFDH):c.553G>A (p.Glu185Lys)

Gene: ETFDH (electron transfer flavoprotein dehydrogenase; plus strand). Cytogenetic location: 4q32.1.
Variant type: single nucleotide variant.
Coding change: c.553G>A on transcript NM_004453.4 (MANE Select); coding-DNA position 553, G replaced by A.
Protein change: p.Glu185Lys; replaces glutamic acid 185 with lysine.
Molecular consequence: missense variant.
Genome position (GRCh38, 1-based): chr4:158,685,166, G>A. VCF-style: chr4-158685166-G-A. GRCh37 (hg19) VCF-style: chr4-159606318-G-A.
Other names: c.553G>A (NM_004453.2); c.412G>A, p.Glu138Lys (NM_001281737.2); c.370G>A, p.Glu124Lys (NM_001281738.1); short protein forms E138K, E124K, E185K.
Identifiers: ClinVar variation 2200665 (VCV002200665.5), dbSNP rs755706413, ClinGen allele CA3122392.

ClinVar aggregate classification (germline): Uncertain significance. Review status: criteria provided, multiple submitters, no conflicts (2 of 4 stars). 3 submissions from 3 submitters: Uncertain significance (3). Last evaluated 2025-02-26.

Conditions:
Inborn genetic diseases. Identifiers: MedGen C0950123, MeSH D030342.
Multiple acyl-CoA dehydrogenase deficiency (MADD). Also called: ETHYLMALONIC-ADIPICACIDURIA; GA II; Glutaric aciduria, type 2; Glutaric Acidemia type 2; Glutaric acidemia type II; GA 2. Identifiers: Orphanet 26791, MedGen C0268596, MONDO:0009282, OMIM 231680.

Allele frequency attached by ClinVar (database versions not stated): ExAC 0.00002; TOPMed 0.00002.
gnomAD v4.1: 55 of 1,612,614 alleles (0.0034%); highest among the groups gnomAD compares: Admixed American, 0.005%; no homozygotes.

Submissions (3):

Labcorp Genetics (formerly Invitae), Labcorp
Classification: Uncertain significance for Multiple acyl-CoA dehydrogenase deficiency. Last evaluated: 2025-02-26. Review status: criteria provided, single submitter. Criteria: Invitae Variant Classification Sherloc (09022015). Collection method: clinical testing. Allele origin: germline.
Comment: This sequence change replaces glutamic acid, which is acidic and polar, with lysine, which is basic and polar, at codon 185 of the ETFDH protein (p.Glu185Lys). This variant is present in population databases (rs755706413, gnomAD 0.01%). This variant has not been reported in the literature in individuals affected with ETFDH-related conditions. ClinVar contains an entry for this variant (Variation ID: 2200665). Invitae Evidence Modeling of protein sequence and biophysical properties (such as structural, functional, and spatial information, amino acid conservation, physicochemical variation, residue mobility, and thermodynamic stability) indicates that this missense variant is not expected to disrupt ETFDH protein function with a negative predictive value of 80%. In summary, the available evidence is currently insufficient to determine the role of this variant in disease. Therefore, it has been classified as a Variant of Uncertain Significance.

Blueprint Genetics
Classification: Uncertain significance. Last evaluated: 2023-10-14. Review status: criteria provided, single submitter. Criteria: ACMG Guidelines, 2015. Collection method: clinical testing. Allele origin: germline.

Ambry Genetics
Classification: Uncertain significance for Inborn genetic diseases. Last evaluated: 2023-02-22. Review status: criteria provided, single submitter. Criteria: Ambry Variant Classification Scheme 2023. Collection method: clinical testing. Allele origin: germline.